The following is an entry in ClinVar:

ClinVar aggregate classification (germline): Pathogenic (1 of 4 stars; one submission).

Conditions:
Global developmental delay (DD). Also called: Cognitive delay. Identifiers: MedGen C0557874, HP:0001263. Disease mechanism: loss of function.

Submission:

Pediatric Department, Peking University First Hospital
Classification: Pathogenic for Global developmental delay. Review status: criteria provided, single submitter. Criteria: ACMG Guidelines, 2015. Collection method: clinical testing. Allele origin: germline. Inheritance: Autosomal recessive inheritance. Affected: yes. Observed: 1 compound heterozygote.
Comment: NM_001959.4:c.80+1G>C variant was absent in control populational databases, including 1000 genomes, ExAC, and gnomAD. The variant NM_001959.4:c.80+1G>C was a canonical splicing acceptor site of intron 1, which could cause an abnormal EEF1B2 gene transcript. The QPCR analysis suggested NMD-mediated mRNA degradation of EEF1B2 mRNA in the patients. The level of EEF1B2 protein was hardly detected in both patients and their unaffected parents. And the level of EEF1B2 protein in normal control was detected, though the stripe was narrow and light.

NM_001959.4(EEF1B2):c.80+1G>C

Gene: EEF1B2 (eukaryotic translation elongation factor 1 beta 2; plus strand). Cytogenetic location: 2q33.3.
Variant type: single nucleotide variant.
Coding change: c.80+1G>C on transcript NM_001959.4 (MANE Select); the canonical splice donor site of the intron after coding-DNA position 80, G replaced by C.
Molecular consequence: splice donor variant.
Genome position (GRCh38, 1-based): chr2:206,160,060, G>C. VCF-style: chr2-206160060-G-C. GRCh37 (hg19) VCF-style: chr2-207024784-G-C.
Other names: c.80+1G>C (NM_001037663.2, NM_021121.4).
Identifiers: ClinVar variation 1332885 (VCV001332885.2), dbSNP rs765917912, ClinGen allele CA350070699.